The following is an entry in ClinVar:

NM_001244926.2(PRPF4):c.654+6del

Gene: PRPF4 (pre-mRNA splicing tri-snRNP complex factor PRPF4; plus strand). Cytogenetic location: 9q32.
Variant type: Deletion.
Coding change: c.654+6del on transcript NM_001244926.2 (MANE Select); 6 bases into the intron after coding-DNA position 654, one base deleted (A; older notation c.654+6delA).
Molecular consequence: intron variant.
Genome position (GRCh38, 1-based): chr9:113,283,488, A deleted. VCF-style (leftmost placement, unchanged base first): chr9-113283487-GA-G. GRCh37 (hg19) VCF-style: chr9-116045767-GA-G.
Other names: c.-112+6del (NM_001322267.2, NM_001322266.2); c.657+6del (NM_004697.5).
Identifiers: ClinVar variation 1059982 (VCV001059982.7), dbSNP rs746617705, ClinGen allele CA5194940.

ClinVar aggregate classification (germline): Uncertain significance (1 of 4 stars; one submission).

Allele frequency attached by ClinVar (database versions not stated): gnomAD 0.00001; ExAC 0.00002; gnomAD exomes 0.00003 and 0.00006.

Submission:

Labcorp Genetics (formerly Invitae), Labcorp
Classification: Uncertain significance. Last evaluated: 2025-11-17. Review status: criteria provided, single submitter. Criteria: Invitae Variant Classification Sherloc (09022015). Collection method: clinical testing. Allele origin: germline.
Comment: This sequence change falls in intron 6 of the PRPF4 gene. It does not directly change the encoded amino acid sequence of the PRPF4 protein. It affects a nucleotide within the consensus splice site. This variant is present in population databases (rs746617705, gnomAD 0.05%), and has an allele count higher than expected for a pathogenic variant. This variant has not been reported in the literature in individuals affected with PRPF4-related conditions. ClinVar contains an entry for this variant (Variation ID: 1059982). Variants that disrupt the consensus splice site are a relatively common cause of aberrant splicing (PMID: 17576681, 9536098). Algorithms developed to predict the effect of sequence changes on RNA splicing suggest that this variant is not likely to affect RNA splicing. In summary, the available evidence is currently insufficient to determine the role of this variant in disease. Therefore, it has been classified as a Variant of Uncertain Significance.

Literature cited by the submitters: PubMed 17576681; PubMed 9536098.